The following is an entry in ClinVar:

ClinVar aggregate classification (germline): Uncertain significance (1 of 4 stars; one submission).

Conditions:
Loeys-Dietz syndrome (LDS). Identifiers: Orphanet 60030, MedGen C2697932, MONDO:0018954.

Submission:

All of Us Research Program, National Institutes of Health
Classification: Uncertain significance for Loeys-Dietz syndrome. Last evaluated: 2023-12-18. Review status: criteria provided, single submitter. Criteria: ACMG Guidelines, 2015. Collection method: clinical testing. Allele origin: germline. Inheritance: Autosomal dominant inheritance. Observed: 1 variant allele, 1 heterozygote.
Comment: This missense variant replaces glutamine with glutamic acid at codon 198 of the TGFBR1 protein. Computational prediction suggests that this variant may have deleterious impact on protein structure and function (internally defined REVEL score threshold >= 0.7, PMID: 27666373). To our knowledge, functional studies have not been reported for this variant. This variant has not been reported in individuals affected with TGFBR1-related disorders in the literature. This variant has not been identified in the general population by the Genome Aggregation Database (gnomAD). The available evidence is insufficient to determine the role of this variant in disease conclusively. Therefore, this variant is classified as a Variant of Uncertain Significance.

This study involves interpretation of variants in research participants for the purpose of population health screening. Participant phenotype was not available at the time of variant classification. Additional details can be found in publication PMID: 35346344, PMCID: PMC8962531

NM_004612.4(TGFBR1):c.592C>G (p.Gln198Glu)

Gene: TGFBR1 (transforming growth factor beta receptor 1; plus strand). Cytogenetic location: 9q22.33.
Variant type: single nucleotide variant.
Coding change: c.592C>G on transcript NM_004612.4 (MANE Select); coding-DNA position 592, C replaced by G.
Protein change: p.Gln198Glu; replaces glutamine 198 with glutamic acid.
Molecular consequence: missense variant. On other transcripts: non-coding transcript variant (4), intron variant (2).
Genome position (GRCh38, 1-based): chr9:99,137,876, C>G. VCF-style: chr9-99137876-C-G. GRCh37 (hg19) VCF-style: chr9-101900158-C-G.
Other names: c.361C>G, p.Gln121Glu (NM_001130916.3); c.604C>G, p.Gln202Glu (NM_001306210.2, NM_001407416.1); c.592C>G, p.Gln198Glu (NM_001407417.1); c.397C>G, p.Gln133Glu (NM_001407418.1, NM_001407419.1, NM_001407420.1 and 1 more transcripts); c.385C>G, p.Gln129Glu (NM_001407423.1, NM_001407424.1, NM_001407425.1 and 8 more transcripts); c.346C>G, p.Gln116Glu (NM_001407436.1); c.115C>G, p.Gln39Glu (NM_001407438.1); c.575-4660C>G (NM_001407435.1); and 1 more; short protein forms Q116E, Q121E, Q129E, Q133E, Q198E, Q202E, Q39E.
Identifiers: ClinVar variation 3075036 (VCV003075036.1), dbSNP rs2118708218, ClinGen allele CA374229330.